The following is an entry in ClinVar:

NM_024298.5(MBOAT7):c.1361G>A (p.Arg454Gln)

Gene: MBOAT7 (membrane bound acylglycerophosphatidylinositol O-acyltransferase MBOAT7; minus strand). Cytogenetic location: 19q13.42.
Variant type: single nucleotide variant.
Coding change: c.1361G>A on transcript NM_024298.5 (MANE Select); coding-DNA position 1361, G replaced by A.
Protein change: p.Arg454Gln; replaces arginine 454 with glutamine.
Molecular consequence: missense variant.
Genome position (GRCh38, 1-based): chr19:54,174,102, C>T on the plus strand (G>A on the coding strand, the complement: MBOAT7 is on the minus strand). VCF-style: chr19-54174102-C-T. GRCh37 (hg19) VCF-style: chr19-54677796-C-T.
Other names: c.1142G>A, p.Arg381Gln (NM_001146056.3, NM_001146083.3); c.1361G>A (NM_024298.3); short protein forms R381Q, R454Q.
Identifiers: ClinVar variation 2578841 (VCV002578841.26), dbSNP rs759231014, ClinGen allele CA309345188.

ClinVar aggregate classification (germline): Uncertain significance. Review status: criteria provided, multiple submitters, no conflicts (2 of 4 stars). 2 submissions from 2 submitters: Uncertain significance (2). Last evaluated 2024-09-03.

Conditions:
Inborn genetic diseases. Identifiers: MedGen C0950123, MeSH D030342.

Allele frequency attached by ClinVar (database versions not stated): TOPMed 0.00001; ExAC 0.00003; gnomAD 0.00003; gnomAD exomes 0.00004.

Submissions (2):

Ambry Genetics
Classification: Uncertain significance for Inborn genetic diseases. Last evaluated: 2024-09-03. Review status: criteria provided, single submitter. Criteria: Ambry Variant Classification Scheme 2023. Collection method: clinical testing. Allele origin: germline.

CeGaT Center for Human Genetics Tuebingen
Classification: Uncertain significance. Last evaluated: 2023-07-01. Review status: criteria provided, single submitter. Criteria: CeGaT Center For Human Genetics Tuebingen Variant Classification Criteria Version 2. Collection method: clinical testing. Allele origin: germline. Affected: yes. Observed: 1 variant allele.
Comment: MBOAT7: PM2, BP4